The following is an entry in ClinVar:

NM_001367561.1(DOCK7):c.1657G>A (p.Val553Ile)

Gene: DOCK7 (dedicator of cytokinesis 7; minus strand). Cytogenetic location: 1p31.3.
Variant type: single nucleotide variant.
Coding change: c.1657G>A on transcript NM_001367561.1 (MANE Select); coding-DNA position 1657, G replaced by A.
Protein change: p.Val553Ile; replaces valine 553 with isoleucine.
Molecular consequence: missense variant.
Genome position (GRCh38, 1-based): chr1:62,618,731, C>T on the plus strand (G>A on the coding strand, the complement: DOCK7 is on the minus strand). VCF-style: chr1-62618731-C-T. GRCh37 (hg19) VCF-style: chr1-63084402-C-T.
Other names: c.1657G>A, p.Val553Ile (NM_001271999.2, NM_001272000.2, NM_001272001.2 and 3 more transcripts); c.1657G>A (NM_033407.2); short protein forms V553I.
Identifiers: ClinVar variation 2064279 (VCV002064279.2), dbSNP rs1048369719, ClinGen allele CA23764966.

ClinVar aggregate classification (germline): Uncertain significance. Review status: criteria provided, multiple submitters, no conflicts (2 of 4 stars). 2 submissions from 2 submitters: Uncertain significance (2). Last evaluated 2023-11-13.

Conditions:
Developmental and epileptic encephalopathy, 23 (DEE23). Also called: Epileptic encephalopathy, early infantile, 23. Identifiers: Orphanet 411986, MedGen C4014492, MONDO:0014371, OMIM 615859.
Inborn genetic diseases. Identifiers: MedGen C0950123, MeSH D030342.

Allele frequency attached by ClinVar (database versions not stated): gnomAD exomes 0.00001; gnomAD 0.00002; TOPMed 0.00002.
gnomAD v4.1: 6 of 1,613,400 alleles (0.00037%); highest among the groups gnomAD compares: African/African-American, 0.0013%; no homozygotes.

Submissions (2):

Ambry Genetics
Classification: Uncertain significance for Inborn genetic diseases. Last evaluated: 2023-11-13. Review status: criteria provided, single submitter. Criteria: Ambry Variant Classification Scheme 2023. Collection method: clinical testing. Allele origin: germline.

Labcorp Genetics (formerly Invitae), Labcorp
Classification: Uncertain significance for Developmental and epileptic encephalopathy, 23. Last evaluated: 2022-01-05. Review status: criteria provided, single submitter. Criteria: Invitae Variant Classification Sherloc (09022015). Collection method: clinical testing. Allele origin: germline.
Comment: This sequence change replaces valine, which is neutral and non-polar, with isoleucine, which is neutral and non-polar, at codon 553 of the DOCK7 protein (p.Val553Ile). This variant is present in population databases (no rsID available, gnomAD 0.0009%). This variant has not been reported in the literature in individuals affected with DOCK7-related conditions. Algorithms developed to predict the effect of missense changes on protein structure and function are either unavailable or do not agree on the potential impact of this missense change (SIFT: "Tolerated"; PolyPhen-2: "Possibly Damaging"; Align-GVGD: "Class C0"). In summary, the available evidence is currently insufficient to determine the role of this variant in disease. Therefore, it has been classified as a Variant of Uncertain Significance.